The following is an entry in ClinVar:

NM_000535.7(PMS2):c.1160T>C (p.Met387Thr)

Gene: PMS2 (PMS1 homolog 2, mismatch repair system component; minus strand). Cytogenetic location: 7p22.1.
Variant type: single nucleotide variant.
Coding change: c.1160T>C on transcript NM_000535.7 (MANE Select); coding-DNA position 1160, T replaced by C.
Protein change: p.Met387Thr; replaces methionine 387 with threonine.
Molecular consequence: missense variant. On other transcripts: non-coding transcript variant (1), intron variant (1).
Genome position (GRCh38, 1-based): chr7:5,987,605, A>G on the plus strand (T>C on the coding strand, the complement: PMS2 is on the minus strand). VCF-style: chr7-5987605-A-G. GRCh37 (hg19) VCF-style: chr7-6027236-A-G.
Other names: c.755T>C, p.Met252Thr (NM_001018040.1, NM_001322003.2, NM_001322004.2 and 17 more transcripts); c.1004T>C, p.Met335Thr (NM_001322006.2, NM_001406870.1); c.842T>C, p.Met281Thr (NM_001322007.2, NM_001322008.2, NM_001406883.1 and 2 more transcripts); c.599T>C, p.Met200Thr (NM_001322010.2, NM_001406906.1, NM_001406907.1); c.227T>C, p.Met76Thr (NM_001322011.2, NM_001322012.2); c.587T>C, p.Met196Thr (NM_001322013.2, NM_001406909.1); c.1160T>C, p.Met387Thr (NM_001322014.2, NM_001406871.1, NM_001406872.1); c.851T>C, p.Met284Thr (NM_001322015.2, NM_001406875.1, NM_001406877.1 and 5 more transcripts); and 13 more; short protein forms M200T, M229T, M275T, M281T, M331T, M130T, M232T, M335T.
Identifiers: ClinVar variation 2743517 (VCV002743517.4), dbSNP rs2128737117, ClinGen allele CA366742671.

ClinVar aggregate classification (germline): Conflicting classifications of pathogenicity. Review status: criteria provided, conflicting classifications (1 of 4 stars). 2 submissions from 2 submitters: Uncertain significance (1); Likely benign (1). Last evaluated 2026-02-18.

Conditions:
Hereditary nonpolyposis colorectal neoplasms. Identifiers: MedGen C0009405, MeSH D003123.
Hereditary cancer-predisposing syndrome. Also called: Tumor predisposition; Hereditary Cancer Syndrome; Hereditary neoplastic syndrome; Neoplastic Syndromes, Hereditary. Identifiers: Orphanet 140162, MedGen C0027672, MeSH D009386, MONDO:0015356.

Submissions (2):

Ambry Genetics
Classification: Likely benign for Hereditary cancer-predisposing syndrome. Last evaluated: 2026-02-18. Review status: criteria provided, single submitter. Criteria: Ambry Variant Classification Scheme 2023. Collection method: clinical testing. Allele origin: germline.

Labcorp Genetics (formerly Invitae), Labcorp
Classification: Uncertain significance for Hereditary nonpolyposis colorectal neoplasms. Last evaluated: 2024-06-08. Review status: criteria provided, single submitter. Criteria: Invitae Variant Classification Sherloc (09022015). Collection method: clinical testing. Allele origin: germline.
Comment: This sequence change replaces methionine, which is neutral and non-polar, with threonine, which is neutral and polar, at codon 387 of the PMS2 protein (p.Met387Thr). This variant is not present in population databases (gnomAD no frequency). This variant has not been reported in the literature in individuals affected with PMS2-related conditions. Advanced modeling of protein sequence and biophysical properties (such as structural, functional, and spatial information, amino acid conservation, physicochemical variation, residue mobility, and thermodynamic stability) performed at Invitae indicates that this missense variant is not expected to disrupt PMS2 protein function with a negative predictive value of 80%. In summary, the available evidence is currently insufficient to determine the role of this variant in disease. Therefore, it has been classified as a Variant of Uncertain Significance.